The following is an entry in ClinVar:

NM_005612.5(REST):c.1444A>C (p.Asn482His)

Gene: REST (RE1 silencing transcription factor; plus strand). Cytogenetic location: 4q12.
Variant type: single nucleotide variant.
Coding change: c.1444A>C on transcript NM_005612.5 (MANE Select); coding-DNA position 1444, A replaced by C.
Protein change: p.Asn482His; replaces asparagine 482 with histidine.
Molecular consequence: missense variant.
Genome position (GRCh38, 1-based): chr4:56,930,302, A>C. VCF-style: chr4-56930302-A-C. GRCh37 (hg19) VCF-style: chr4-57796468-A-C.
Other names: c.1444A>C, p.Asn482His (NM_001193508.2, NM_001363453.3); short protein forms N482H.
Identifiers: ClinVar variation 3710125 (VCV003710125.2).

ClinVar aggregate classification (germline): Uncertain significance (1 of 4 stars; one submission).

Submission:

Labcorp Genetics (formerly Invitae), Labcorp
Classification: Uncertain significance. Last evaluated: 2024-06-30. Review status: criteria provided, single submitter. Criteria: Invitae Variant Classification Sherloc (09022015). Collection method: clinical testing. Allele origin: germline.
Comment: This sequence change replaces asparagine, which is neutral and polar, with histidine, which is basic and polar, at codon 482 of the REST protein (p.Asn482His). This variant is not present in population databases (gnomAD no frequency). This variant has not been reported in the literature in individuals affected with REST-related conditions. An algorithm developed to predict the effect of missense changes on protein structure and function (PolyPhen-2) suggests that this variant is likely to be disruptive. In summary, the available evidence is currently insufficient to determine the role of this variant in disease. Therefore, it has been classified as a Variant of Uncertain Significance.